The following is an entry in ClinVar:

ClinVar aggregate classification (germline): Uncertain significance (1 of 4 stars; one submission).

Conditions:
Nephronophthisis 18 (NPHP18). Identifiers: Orphanet 655, MedGen C3890591, MONDO:0014374, OMIM 615862.

Allele frequency attached by ClinVar (database versions not stated): gnomAD exomes below 0.00001.
gnomAD v4.1: 1 of 1,558,510 alleles (0.000064%); highest among the groups gnomAD compares: Non-Finnish European, 0.000087%; no homozygotes.

Submission:

Labcorp Genetics (formerly Invitae), Labcorp
Classification: Uncertain significance for Nephronophthisis 18. Last evaluated: 2021-04-12. Review status: criteria provided, single submitter. Criteria: Invitae Variant Classification Sherloc (09022015). Collection method: clinical testing. Allele origin: germline.
Comment: This sequence change replaces glutamine with proline at codon 271 of the CEP83 protein (p.Gln271Pro). The glutamine residue is highly conserved and there is a moderate physicochemical difference between glutamine and proline. This variant is not present in population databases (ExAC no frequency). This variant has not been reported in the literature in individuals with CEP83-related conditions. Algorithms developed to predict the effect of missense changes on protein structure and function are either unavailable or do not agree on the potential impact of this missense change (SIFT: "Not Available"; PolyPhen-2: "Possibly Damaging"; Align-GVGD: "Not Available"). In summary, the available evidence is currently insufficient to determine the role of this variant in disease. Therefore, it has been classified as a Variant of Uncertain Significance.

NM_016122.3(CEP83):c.812A>C (p.Gln271Pro)

Gene: CEP83 (centrosomal protein 83; minus strand). Cytogenetic location: 12q22.
Variant type: single nucleotide variant.
Coding change: c.812A>C on transcript NM_016122.3 (MANE Select); coding-DNA position 812, A replaced by C.
Protein change: p.Gln271Pro; replaces glutamine 271 with proline.
Molecular consequence: missense variant. On other transcripts: non-coding transcript variant (2).
Genome position (GRCh38, 1-based): chr12:94,376,007, T>G on the plus strand (A>C on the coding strand, the complement: CEP83 is on the minus strand). VCF-style: chr12-94376007-T-G. GRCh37 (hg19) VCF-style: chr12-94769783-T-G.
Other names: c.812A>C, p.Gln271Pro (NM_001042399.2, NM_001346457.2, NM_001346460.2 and 3 more transcripts); c.500A>C, p.Gln167Pro (NM_001346458.2, NM_001346459.2, NM_001346462.2 and 2 more transcripts); c.587A>C, p.Gln196Pro (NM_001368041.1); c.275A>C, p.Gln92Pro (NM_001368042.1); short protein forms Q167P, Q271P, Q196P, Q92P.
Identifiers: ClinVar variation 1525629 (VCV001525629.6), dbSNP rs2061515059, ClinGen allele CA386146552.